The following is an entry in ClinVar:

NM_006648.4(WNK2):c.5060A>G (p.Glu1687Gly)

Gene: WNK2 (WNK lysine deficient protein kinase 2; plus strand). Cytogenetic location: 9q22.31.
Variant type: single nucleotide variant.
Coding change: c.5060A>G on transcript NM_006648.4 (MANE Select); coding-DNA position 5060, A replaced by G.
Protein change: p.Glu1687Gly; replaces glutamic acid 1687 with glycine.
Molecular consequence: missense variant.
Genome position (GRCh38, 1-based): chr9:93,292,525, A>G. VCF-style: chr9-93292525-A-G. GRCh37 (hg19) VCF-style: chr9-96054807-A-G.
Other names: c.5171A>G, p.Glu1724Gly (NM_001282394.3); short protein forms E1687G, E1724G.
Identifiers: ClinVar variation 3981757 (VCV003981757.1).

ClinVar aggregate classification (germline): Uncertain significance (1 of 4 stars; one submission).

Submission:

Ambry Genetics
Classification: Uncertain significance. Last evaluated: 2025-03-29. Review status: criteria provided, single submitter. Criteria: Ambry Variant Classification Scheme 2023. Collection method: clinical testing. Allele origin: germline.
Comment: The p.E1687G variant (also known as c.5060A>G), located in coding exon 22 of the WNK2 gene, results from an A to G substitution at nucleotide position 5060. The glutamic acid at codon 1687 is replaced by glycine, an amino acid with similar properties. This amino acid position is conserved. In addition, this alteration is predicted to be tolerated by in silico analysis. Based on the available evidence, the clinical significance of this variant remains unclear.